The following is an entry in ClinVar:

ClinVar aggregate classification (germline): Uncertain significance (1 of 4 stars; one submission).

Conditions:
Bethlem myopathy 1A. Also called: MYOPATHY, BENIGN CONGENITAL, WITH CONTRACTURES; Bethlem Muscular Dystrophy; Bethlem myopathy 1. Identifiers: Orphanet 610, MedGen CN029274, MONDO:0024530, OMIM 158810.

Submission:

Labcorp Genetics (formerly Invitae), Labcorp
Classification: Uncertain significance for Bethlem myopathy 1A. Last evaluated: 2022-07-15. Review status: criteria provided, single submitter. Criteria: Invitae Variant Classification Sherloc (09022015). Collection method: clinical testing. Allele origin: germline.
Comment: This sequence change replaces aspartic acid, which is acidic and polar, with glutamic acid, which is acidic and polar, at codon 393 of the COL6A1 protein (p.Asp393Glu). This variant is not present in population databases (gnomAD no frequency). This variant has not been reported in the literature in individuals affected with COL6A1-related conditions. Advanced modeling of protein sequence and biophysical properties (such as structural, functional, and spatial information, amino acid conservation, physicochemical variation, residue mobility, and thermodynamic stability) performed at Invitae indicates that this missense variant is not expected to disrupt COL6A1 protein function. In summary, the available evidence is currently insufficient to determine the role of this variant in disease. Therefore, it has been classified as a Variant of Uncertain Significance.

NM_001848.3(COL6A1):c.1179C>A (p.Asp393Glu)

Gene: COL6A1 (collagen type VI alpha 1 chain; plus strand). Cytogenetic location: 21q22.3.
Variant type: single nucleotide variant.
Coding change: c.1179C>A on transcript NM_001848.3 (MANE Select); coding-DNA position 1179, C replaced by A.
Protein change: p.Asp393Glu; replaces aspartic acid 393 with glutamic acid.
Molecular consequence: missense variant.
Genome position (GRCh38, 1-based): chr21:45,992,069, C>A. VCF-style: chr21-45992069-C-A. GRCh37 (hg19) VCF-style: chr21-47411983-C-A.
Other names: short protein forms D393E.
Identifiers: ClinVar variation 1722257 (VCV001722257.6), dbSNP rs182068143, ClinGen allele CA410525013.
Genomic context (GRCh38, chr21:45,992,069, plus strand): 5'-GGGCGAGCCTGGAGCTGACGGGGAGGCGGGGAGACCAGGGAGCTCGGGACCATCTGGAGA[C>A]GAGGTGAGGAGCTTCACAGCCCCCACACATGCCAGGTATGGGCCCAGGGAGGGTCAAGGA-3'
Protein context (NP_001839.2, residues 383-403): GRPGSSGPSG[Asp393Glu]EGQPGEPGPP